The following is an entry in ClinVar:

NM_004519.4(KCNQ3):c.38GCG[2] (p.Gly15_Gly16del)

Gene: KCNQ3 (potassium voltage-gated channel subfamily Q member 3; minus strand). Cytogenetic location: 8q24.22.
Variant type: Microsatellite.
Coding change: c.38GCG[2] on transcript NM_004519.4 (MANE Select); two copies in a row of the 3-base unit GCG starting at c.38; the reference has four copies in a row; two copies, 6 bases deleted.
Protein change: p.Gly15_Gly16del.
Molecular consequence: inframe deletion.
Genome position (GRCh38, 1-based): chr8:132,480,484-132,480,489, CGCCGC deleted on the plus strand (GCGGCG on the coding strand, the reverse complement: KCNQ3 is on the minus strand); deleting any 6 consecutive bases within chr8:132,480,484-132,480,496 gives the same sequence; the position shown is the placement nearest the transcript's 3' end. VCF-style (leftmost placement, unchanged base first): chr8-132480483-TCGCCGC-T. GRCh37 (hg19) VCF-style: chr8-133492730-TCGCCGC-T.
Identifiers: ClinVar variation 1055576 (VCV001055576.9), dbSNP rs981093917, ClinGen allele CA186258335.

ClinVar aggregate classification (germline): Uncertain significance (1 of 4 stars; one submission).

Conditions:
Benign neonatal seizures. Also called: Convulsions benign familial neonatal dominant form; Autosomal dominant form of benign neonatal seizures; Benign neonatal familial convulsions; Benign familial neonatal seizures; Benign familial neonatal epilepsy. Identifiers: Orphanet 1949, MedGen C0220669, MONDO:0016027.

Submission:

Labcorp Genetics (formerly Invitae), Labcorp
Classification: Uncertain significance for Benign neonatal seizures. Last evaluated: 2023-06-23. Review status: criteria provided, single submitter. Criteria: Invitae Variant Classification Sherloc (09022015). Collection method: clinical testing. Allele origin: germline.
Comment: In summary, the available evidence is currently insufficient to determine the role of this variant in disease. Therefore, it has been classified as a Variant of Uncertain Significance. Experimental studies and prediction algorithms are not available or were not evaluated, and the functional significance of this variant is currently unknown. This variant has not been reported in the literature in individuals affected with KCNQ3-related conditions. This variant is not present in population databases (gnomAD no frequency). This variant, c.44_49del, results in the deletion of 2 amino acid(s) of the KCNQ3 protein (p.Gly15_Gly16del), but otherwise preserves the integrity of the reading frame.